The following is an entry in ClinVar:

NM_000481.4(AMT):c.529A>G (p.Asn177Asp)

Gene: AMT (aminomethyltransferase; minus strand). Cytogenetic location: 3p21.31.
Variant type: single nucleotide variant.
Coding change: c.529A>G on transcript NM_000481.4 (MANE Select); coding-DNA position 529, A replaced by G.
Protein change: p.Asn177Asp; replaces asparagine 177 with aspartic acid.
Molecular consequence: missense variant. On other transcripts: non-coding transcript variant (1).
Genome position (GRCh38, 1-based): chr3:49,419,731, T>C on the plus strand (A>G on the coding strand, the complement: AMT is on the minus strand). VCF-style: chr3-49419731-T-C. GRCh37 (hg19) VCF-style: chr3-49457164-T-C.
Other names: c.397A>G, p.Asn133Asp (NM_001164710.2); c.361A>G, p.Asn121Asp (NM_001164711.2); c.529A>G, p.Asn177Asp (NM_001164712.2); short protein forms N133D, N121D, N177D.
Identifiers: ClinVar variation 1418301 (VCV001418301.7), dbSNP rs771657567, ClinGen allele CA2398331.
Genomic context (GRCh38, chr3:49,419,731, plus strand): 5'-AGGCAAAGGTTGGCTCCAACCCCAGCCCAGCCCTCTCACCTTGCAGAGCTAGCAGGGCAT[T>C]ATCCAACACCTCCAGGCCCACATCTCTGCCCTGGTTCTGAAGCTCCCTGACCTTGTCCTA-3'
Protein context (NP_000472.2, residues 167-187): GRDVGLEVLD[Asn177Asp]ALLALQGPTA

ClinVar aggregate classification (germline): Uncertain significance (1 of 4 stars; one submission).

Conditions:
Glycine encephalopathy. Also called: Nonketotic hyperglycinemia; Non-ketotic hyperglycinemia. Identifiers: Orphanet 407, MedGen C0751748, MONDO:0011612, HP:0008288.

Allele frequency attached by ClinVar (database versions not stated): ExAC 0.00001; gnomAD exomes 0.00001 and 0.00002.
gnomAD v4.1: 21 of 1,614,098 alleles (0.0013%); highest among the groups gnomAD compares: Non-Finnish European, 0.0018%; 1 homozygote.

Submission:

Labcorp Genetics (formerly Invitae), Labcorp
Classification: Uncertain significance for Glycine encephalopathy. Last evaluated: 2024-05-07. Review status: criteria provided, single submitter. Criteria: Invitae Variant Classification Sherloc (09022015). Collection method: clinical testing. Allele origin: germline.
Comment: This sequence change replaces asparagine, which is neutral and polar, with aspartic acid, which is acidic and polar, at codon 177 of the AMT protein (p.Asn177Asp). This variant is present in population databases (rs771657567, gnomAD 0.003%). This variant has not been reported in the literature in individuals affected with AMT-related conditions. ClinVar contains an entry for this variant (Variation ID: 1418301). Advanced modeling of protein sequence and biophysical properties (such as structural, functional, and spatial information, amino acid conservation, physicochemical variation, residue mobility, and thermodynamic stability) has been performed at Invitae for this missense variant, however the output from this modeling did not meet the statistical confidence thresholds required to predict the impact of this variant on AMT protein function. In summary, the available evidence is currently insufficient to determine the role of this variant in disease. Therefore, it has been classified as a Variant of Uncertain Significance.